The following is an entry in ClinVar:

NM_002017.5(FLI1):c.152T>C (p.Leu51Pro)

Gene: FLI1 (Fli-1 proto-oncogene, ETS transcription factor; plus strand). Cytogenetic location: 11q24.3.
Variant type: single nucleotide variant.
Coding change: c.152T>C on transcript NM_002017.5 (MANE Select); coding-DNA position 152, T replaced by C.
Protein change: p.Leu51Pro; replaces leucine 51 with proline.
Molecular consequence: missense variant. On other transcripts: 5 prime UTR variant (2).
Genome position (GRCh38, 1-based): chr11:128,758,248, T>C. VCF-style: chr11-128758248-T-C. GRCh37 (hg19) VCF-style: chr11-128628143-T-C.
Other names: c.152T>C, p.Leu51Pro (NM_001440372.1); c.53T>C, p.Leu18Pro (NM_001167681.3, NM_001440369.1, NM_001440370.1 and 1 more transcripts); c.-218T>C (NM_001271010.2); c.-69T>C (NM_001271012.2); short protein forms L18P, L51P.
Identifiers: ClinVar variation 4781432 (VCV004781432.1).

ClinVar aggregate classification (germline): Uncertain significance (1 of 4 stars; one submission).

Submission:

Labcorp Genetics (formerly Invitae), Labcorp
Classification: Uncertain significance. Last evaluated: 2025-11-06. Review status: criteria provided, single submitter. Criteria: Invitae Variant Classification Sherloc (09022015). Collection method: clinical testing. Allele origin: germline.
Comment: This sequence change replaces leucine, which is neutral and non-polar, with proline, which is neutral and non-polar, at codon 51 of the FLI1 protein (p.Leu51Pro). This variant is present in population databases (rs773175996, gnomAD 0.002%). This variant has not been reported in the literature in individuals affected with FLI1-related conditions. Invitae Evidence Modeling of protein sequence and biophysical properties (such as structural, functional, and spatial information, amino acid conservation, physicochemical variation, residue mobility, and thermodynamic stability) indicates that this missense variant is not expected to disrupt FLI1 protein function with a negative predictive value of 80%. In summary, the available evidence is currently insufficient to determine the role of this variant in disease. Therefore, it has been classified as a Variant of Uncertain Significance.